The following is an entry in ClinVar:

ClinVar aggregate classification (germline): Uncertain significance (1 of 4 stars; one submission).

Conditions:
Gorlin syndrome. Also called: Nevoid Basal Cell Carcinoma Syndrome; Basal cell nevus syndrome. Identifiers: Orphanet 377, MedGen C0004779, MONDO:0007187.
Medulloblastoma (MDB). Also called: Medulloblastoma, somatic; MEDULLOBLASTOMA PREDISPOSITION SYNDROME. Identifiers: Orphanet 616, MedGen C0025149, MeSH D008527, MONDO:0007959, OMIM 155255, HP:0002885.

Submission:

Labcorp Genetics (formerly Invitae), Labcorp
Classification: Uncertain significance for Gorlin syndrome; Medulloblastoma. Last evaluated: 2021-12-23. Review status: criteria provided, single submitter. Criteria: Invitae Variant Classification Sherloc (09022015). Collection method: clinical testing. Allele origin: germline.
Comment: In summary, the available evidence is currently insufficient to determine the role of this variant in disease. Therefore, it has been classified as a Variant of Uncertain Significance. Algorithms developed to predict the effect of missense changes on protein structure and function are either unavailable or do not agree on the potential impact of this missense change (SIFT: "Tolerated"; PolyPhen-2: "Possibly Damaging"; Align-GVGD: "Class C0"). This sequence change replaces proline, which is neutral and non-polar, with alanine, which is neutral and non-polar, at codon 16 of the SUFU protein (p.Pro16Ala). This variant is not present in population databases (gnomAD no frequency). This variant has not been reported in the literature in individuals affected with SUFU-related conditions.

NM_016169.4(SUFU):c.46C>G (p.Pro16Ala)

Genes: SUFU (SUFU negative regulator of hedgehog signaling; plus strand), LOC130004614 (ATAC-STARR-seq lymphoblastoid silent region 2764; plus strand). Cytogenetic location: 10q24.32.
Variant type: single nucleotide variant.
Coding change: c.46C>G on transcript NM_016169.4 (MANE Select); coding-DNA position 46, C replaced by G.
Protein change: p.Pro16Ala; replaces proline 16 with alanine.
Molecular consequence: missense variant.
Genome position (GRCh38, 1-based): chr10:102,504,198, C>G. VCF-style: chr10-102504198-C-G. GRCh37 (hg19) VCF-style: chr10-104263955-C-G.
Other names: c.46C>G, p.Pro16Ala (NM_001178133.2); short protein forms P16A.
Identifiers: ClinVar variation 2055680 (VCV002055680.4), dbSNP rs978312925, ClinGen allele CA377886246.